The following is an entry in ClinVar:

NM_001367561.1(DOCK7):c.2278C>T (p.Arg760Ter)

Gene: DOCK7 (dedicator of cytokinesis 7; minus strand). Cytogenetic location: 1p31.3.
Variant type: single nucleotide variant.
Coding change: c.2278C>T on transcript NM_001367561.1 (MANE Select); coding-DNA position 2278, C replaced by T.
Protein change: p.Arg760Ter; replaces arginine 760 with a stop codon.
Molecular consequence: nonsense.
Genome position (GRCh38, 1-based): chr1:62,559,142, G>A on the plus strand (C>T on the coding strand, the complement: DOCK7 is on the minus strand). VCF-style: chr1-62559142-G-A. GRCh37 (hg19) VCF-style: chr1-63024813-G-A.
Other names: c.2278C>T, p.Arg760Ter (NM_001271999.2, NM_001272000.2, NM_001272001.2 and 2 more transcripts); short protein forms R760*.
Identifiers: ClinVar variation 2727055 (VCV002727055.3), dbSNP rs2149439433, ClinGen allele CA340627032.

ClinVar aggregate classification (germline): Pathogenic (1 of 4 stars; one submission).

Conditions:
Developmental and epileptic encephalopathy, 23 (DEE23). Also called: Epileptic encephalopathy, early infantile, 23. Identifiers: Orphanet 411986, MedGen C4014492, MONDO:0014371, OMIM 615859.

Allele frequency attached by ClinVar (database versions not stated): gnomAD exomes below 0.00001.
gnomAD v4.1: 1 of 1,613,654 alleles (0.000062%); highest among the groups gnomAD compares: South Asian, 0.0011%; no homozygotes.

Submission:

Labcorp Genetics (formerly Invitae), Labcorp
Classification: Pathogenic for Developmental and epileptic encephalopathy, 23. Last evaluated: 2023-06-24. Review status: criteria provided, single submitter. Criteria: Invitae Variant Classification Sherloc (09022015). Collection method: clinical testing. Allele origin: germline.
Comment: This sequence change creates a premature translational stop signal (p.Arg760*) in the DOCK7 gene. It is expected to result in an absent or disrupted protein product. Loss-of-function variants in DOCK7 are known to be pathogenic (PMID: 24814191). For these reasons, this variant has been classified as Pathogenic. This variant has not been reported in the literature in individuals affected with DOCK7-related conditions. This variant is not present in population databases (gnomAD no frequency).

Literature cited by the submitters: PubMed 24814191.